The following is an entry in ClinVar:

ClinVar aggregate classification (germline): Benign. Review status: criteria provided, multiple submitters, no conflicts (2 of 4 stars). 4 submissions from 4 submitters: Benign (3). 1 of the submissions does not count toward it. Last evaluated 2026-02-04.

Conditions:
Atransferrinemia. Also called: Familial hypotransferrinemia. Identifiers: Orphanet 1195, MedGen C0521802, MONDO:0008846, OMIM 209300, HP:0012239.
TF-related disorder. Also called: TF-related condition.

Allele frequency attached by ClinVar (database versions not stated): ESP Exome Variant Server 0.08511; TOPMed 0.10399; gnomAD 0.10437 and 0.10804; gnomAD exomes 0.10830 and 0.13069; ExAC 0.12895; 1000 Genomes Project 30x 0.13773; 1000 Genomes Project 0.14257.

Submissions (4):

Labcorp Genetics (formerly Invitae), Labcorp
Classification: Benign. Last evaluated: 2026-02-04. Review status: criteria provided, single submitter. Criteria: Invitae Variant Classification Sherloc (09022015). Collection method: clinical testing. Allele origin: germline.

Illumina Laboratory Services, Illumina
Classification: Benign for Atransferrinemia. Last evaluated: 2018-01-13. Review status: criteria provided, single submitter. Criteria: ICSL Variant Classification Criteria 13 December 2019. Collection method: clinical testing. Allele origin: germline.
Comment: This variant was observed in the ICSL laboratory as part of a predisposition screen in an ostensibly healthy population. It had not been previously curated by ICSL or reported in the Human Gene Mutation Database (HGMD: prior to June 1st, 2018), and was therefore a candidate for classification through an automated scoring system. Utilizing variant allele frequency, disease prevalence and penetrance estimates, and inheritance mode, an automated score was calculated to assess if this variant is too frequent to cause the disease. Based on the score and internal cut-off values, a variant classified as benign is not then subjected to further curation. The score for this variant resulted in a classification of benign for this disease.

Breakthrough Genomics
Classification: Benign. Review status: criteria provided, single submitter. Criteria: ACMG Guidelines, 2015. Collection method: not provided. Allele origin: germline. Inheritance: Autosomal recessive inheritance. Affected: yes.

PreventionGenetics, part of Exact Sciences
Classification: Benign for TF-related condition. Last evaluated: 2019-10-21. Review status: no assertion criteria provided. Collection method: clinical testing. Allele origin: germline. Not counted in ClinVar's aggregate classification.
Comment: This variant is classified as benign based on ACMG/AMP sequence variant interpretation guidelines (Richards et al. 2015 PMID: 25741868, with internal and published modifications).

NM_001063.4(TF):c.739C>T (p.Leu247=)

Gene: TF (transferrin; plus strand). Cytogenetic location: 3q22.1.
Variant type: single nucleotide variant.
Coding change: c.739C>T on transcript NM_001063.4 (MANE Select); coding-DNA position 739, C replaced by T.
Protein change: p.Leu247=; no amino-acid change (leucine 247 retained).
Molecular consequence: synonymous variant.
Genome position (GRCh38, 1-based): chr3:133,756,878, C>T. VCF-style: chr3-133756878-C-T. GRCh37 (hg19) VCF-style: chr3-133475722-C-T.
Other names: c.607C>T, p.Leu203= (NM_001354703.2); c.358C>T, p.Leu120= (NM_001354704.2).
Identifiers: ClinVar variation 343439 (VCV000343439.15), dbSNP rs1799852, ClinGen allele CA2625084.